The following is an entry in ClinVar:

ClinVar aggregate classification (germline): Likely pathogenic (1 of 4 stars; one submission).

Conditions:
Developmental and epileptic encephalopathy, 42 (DEE42A). Also called: Epileptic encephalopathy, early infantile, 42; DEVELOPMENTAL AND EPILEPTIC ENCEPHALOPATHY 42A; EPILEPTIC ENCEPHALOPATHY, EARLY INFANTILE, 42A. Identifiers: MedGen C4310716, MONDO:0014917, OMIM 617106.

Submission:

MVZ Medizinische Genetik Mainz
Classification: Likely pathogenic for Developmental and epileptic encephalopathy, 42. Last evaluated: 2025-10-23. Review status: criteria provided, single submitter. Criteria: UK Practice Guidelines For Variant Classification V4 01 2020. Collection method: clinical testing. Allele origin: germline. Inheritance: Autosomal dominant inheritance. Affected: yes. Observed: 1 variant allele.
Comment: ACMG Criteria: PP3_STR,PM2_SUP,PP2

NM_001127222.2(CACNA1A):c.3770G>T (p.Ser1257Ile)

Gene: CACNA1A (calcium voltage-gated channel subunit alpha1 A; minus strand). Cytogenetic location: 19p13.13.
Variant type: single nucleotide variant.
Coding change: c.3770G>T on transcript NM_001127222.2 (MANE Select); coding-DNA position 3770, G replaced by T.
Protein change: p.Ser1257Ile; replaces serine 1257 with isoleucine.
Molecular consequence: missense variant.
Genome position (GRCh38, 1-based): chr19:13,283,319, C>A on the plus strand (G>T on the coding strand, the complement: CACNA1A is on the minus strand). VCF-style: chr19-13283319-C-A. GRCh37 (hg19) VCF-style: chr19-13394133-C-A.
Other names: c.3782G>T, p.Ser1261Ile (NM_000068.4, NM_023035.3); c.3773G>T, p.Ser1258Ile (NM_001127221.2, NM_001174080.2); short protein forms S1257I, S1258I, S1261I.
Identifiers: ClinVar variation 4532234 (VCV004532234.1).